The following is an entry in ClinVar:

ClinVar aggregate classification (germline): Uncertain significance (1 of 4 stars; one submission).

Conditions:
Early-infantile DEE. Also called: Early infantile epileptic encephalopathy; Ohtahara syndrome; Early infantile epileptic encephalopathy with suppression bursts. Identifiers: Orphanet 1934, MedGen C0393706, MONDO:0800491.

gnomAD v4.1: 4 of 1,614,050 alleles (0.00025%); highest among the groups gnomAD compares: Non-Finnish European, 0.00017%; no homozygotes.

Submission:

Labcorp Genetics (formerly Invitae), Labcorp
Classification: Uncertain significance for Early-infantile DEE. Last evaluated: 2024-06-24. Review status: criteria provided, single submitter. Criteria: Invitae Variant Classification Sherloc (09022015). Collection method: clinical testing. Allele origin: germline.
Comment: This sequence change replaces leucine, which is neutral and non-polar, with phenylalanine, which is neutral and non-polar, at codon 949 of the SPTAN1 protein (p.Leu949Phe). This variant is present in population databases (no rsID available, gnomAD 0.003%). This variant has not been reported in the literature in individuals affected with SPTAN1-related conditions. Advanced modeling of protein sequence and biophysical properties (such as structural, functional, and spatial information, amino acid conservation, physicochemical variation, residue mobility, and thermodynamic stability) has been performed at Invitae for this missense variant, however the output from this modeling did not meet the statistical confidence thresholds required to predict the impact of this variant on SPTAN1 protein function. In summary, the available evidence is currently insufficient to determine the role of this variant in disease. Therefore, it has been classified as a Variant of Uncertain Significance.

NM_001130438.3(SPTAN1):c.2847G>T (p.Leu949Phe)

Gene: SPTAN1 (spectrin alpha, non-erythrocytic 1; plus strand). Cytogenetic location: 9q34.11.
Variant type: single nucleotide variant.
Coding change: c.2847G>T on transcript NM_001130438.3 (MANE Select); coding-DNA position 2847, G replaced by T.
Protein change: p.Leu949Phe; replaces leucine 949 with phenylalanine.
Molecular consequence: missense variant.
Genome position (GRCh38, 1-based): chr9:128,587,674, G>T. VCF-style: chr9-128587674-G-T. GRCh37 (hg19) VCF-style: chr9-131349953-G-T.
Other names: c.2847G>T, p.Leu949Phe (NM_001195532.2, NM_001363759.2, NM_001363765.2 and 5 more transcripts); c.2883G>T, p.Leu961Phe (NM_001375312.2, NM_001375318.1); short protein forms L949F, L961F.
Identifiers: ClinVar variation 3635908 (VCV003635908.2).
Genomic context (GRCh38, chr9:128,587,674, plus strand): 5'-GAAGAAACACGAAGCTTTGATGTCAGATCTCAGTGCCTACGGCAGCAGCATCCAGGCTTT[G>T]CGAGAACAAGCACAGTCCTGCCGGGTAAACTTGTAACAGTTTATGGGTTACTGGAGGGAG-3'
Protein context (NP_001123910.1, residues 939-959): LSAYGSSIQA[Leu949Phe]REQAQSCRQQ